The following is an entry in ClinVar:

ClinVar aggregate classification (germline): Uncertain significance. Review status: criteria provided, multiple submitters, no conflicts (2 of 4 stars). 2 submissions from 2 submitters: Uncertain significance (2). Last evaluated 2025-05-18.

Conditions:
Inborn genetic diseases. Identifiers: MedGen C0950123, MeSH D030342.

Allele frequency attached by ClinVar (database versions not stated): TOPMed below 0.00001; ExAC 0.00001; gnomAD exomes 0.00001.
gnomAD v4.1: 5 of 1,614,174 alleles (0.00031%); highest among the groups gnomAD compares: Non-Finnish European, 0.00042%; no homozygotes.

Submissions (2):

Ambry Genetics
Classification: Uncertain significance for Inborn genetic diseases. Last evaluated: 2025-05-18. Review status: criteria provided, single submitter. Criteria: Ambry Variant Classification Scheme 2023. Collection method: clinical testing. Allele origin: germline.

Labcorp Genetics (formerly Invitae), Labcorp
Classification: Uncertain significance. Last evaluated: 2025-03-09. Review status: criteria provided, single submitter. Criteria: Invitae Variant Classification Sherloc (09022015). Collection method: clinical testing. Allele origin: germline.
Comment: This sequence change replaces phenylalanine, which is neutral and non-polar, with isoleucine, which is neutral and non-polar, at codon 305 of the SCN3A protein (p.Phe305Ile). This variant is present in population databases (rs762991220, gnomAD 0.002%). This variant has not been reported in the literature in individuals affected with SCN3A-related conditions. ClinVar contains an entry for this variant (Variation ID: 1369586). Invitae Evidence Modeling of protein sequence and biophysical properties (such as structural, functional, and spatial information, amino acid conservation, physicochemical variation, residue mobility, and thermodynamic stability) indicates that this missense variant is not expected to disrupt SCN3A protein function with a negative predictive value of 95%. In summary, the available evidence is currently insufficient to determine the role of this variant in disease. Therefore, it has been classified as a Variant of Uncertain Significance.

NM_006922.4(SCN3A):c.913T>A (p.Phe305Ile)

Gene: SCN3A (sodium voltage-gated channel alpha subunit 3; minus strand). Cytogenetic location: 2q24.3.
Variant type: single nucleotide variant.
Coding change: c.913T>A on transcript NM_006922.4 (MANE Select); coding-DNA position 913, T replaced by A.
Protein change: p.Phe305Ile; replaces phenylalanine 305 with isoleucine.
Molecular consequence: missense variant.
Genome position (GRCh38, 1-based): chr2:165,162,610, A>T on the plus strand (T>A on the coding strand, the complement: SCN3A is on the minus strand). VCF-style: chr2-165162610-A-T. GRCh37 (hg19) VCF-style: chr2-166019120-A-T.
Other names: c.913T>A (NM_006922.3); c.913T>A, p.Phe305Ile (NM_001081676.2, NM_001081677.2); short protein forms F305I.
Identifiers: ClinVar variation 1369586 (VCV001369586.9), dbSNP rs762991220, ClinGen allele CA1939310.
Genomic context (GRCh38, chr2:165,162,610, plus strand): 5'-TCTTACTGTCATCTCCAATGTAATCCTTCCAGTTAAATGTGCTCATTGTTACATTAACAA[A>T]TGTCCCATTTGAATCCATTGTGCCATTAAAGTAGGAAGTGGTGTTGGTTTCAAAAGCAGA-3'
Protein context (NP_008853.3, residues 295-315): FNGTMDSNGT[Phe305Ile]VNVTMSTFNW